The following is an entry in ClinVar:

ClinVar aggregate classification (germline): Uncertain significance (1 of 4 stars; one submission).

Submission:

Women's Health and Genetics/Laboratory Corporation of America, LabCorp
Classification: Uncertain significance. Last evaluated: 2025-03-19. Review status: criteria provided, single submitter. Criteria: LabCorp Variant Classification Summary - May 2015. Collection method: clinical testing. Allele origin: germline.
Comment: Variant summary: GALT c.509T>A (p.Ile170Asn) results in a non-conservative amino acid change located in the Galactose-1-phosphate uridyl transferase, N-terminal domain (IPR005849) of the encoded protein sequence. Five of five in-silico tools predict a damaging effect of the variant on protein function. Several computational tools predict a significant impact on normal splicing: Three predict the variant weakens a 3' acceptor site. However, these predictions have yet to be confirmed by functional studies. The variant was absent in 251494 control chromosomes. The available data on variant occurrences in the general population are insufficient to allow any conclusion about variant significance. c.509T>A has been reported in the literature in a compound heterozygou individuals affected with Galactosemia (Gort_2009). These data do not allow any conclusion about variant significance. To our knowledge, no experimental evidence demonstrating an impact on protein function has been reported. The following publication have been ascertained in the context of this evaluation (PMID: 19375122). No submitters have cited clinical-significance assessments for this variant to ClinVar. Based on the evidence outlined above, the variant was classified as uncertain significance.

Literature cited by the submitters: PubMed 19375122.

NM_000155.4(GALT):c.509T>A (p.Ile170Asn)

Gene: GALT (galactose-1-phosphate uridylyltransferase; plus strand). Cytogenetic location: 9p13.3.
Variant type: single nucleotide variant.
Coding change: c.509T>A on transcript NM_000155.4 (MANE Select); coding-DNA position 509, T replaced by A.
Protein change: p.Ile170Asn; replaces isoleucine 170 with asparagine.
Molecular consequence: missense variant.
Genome position (GRCh38, 1-based): chr9:34,648,116, T>A. VCF-style: chr9-34648116-T-A. GRCh37 (hg19) VCF-style: chr9-34648113-T-A.
Other names: c.182T>A, p.Ile61Asn (NM_001258332.2); short protein forms I61N.
Identifiers: ClinVar variation 3896093 (VCV003896093.1), dbSNP rs111033839.